The following is an entry in ClinVar:

NM_001130823.3(DNMT1):c.2382G>A (p.Arg794=)

Gene: DNMT1 (DNA methyltransferase 1; minus strand). Cytogenetic location: 19p13.2.
Variant type: single nucleotide variant.
Coding change: c.2382G>A on transcript NM_001130823.3 (MANE Select); coding-DNA position 2382, G replaced by A.
Protein change: p.Arg794=; no amino-acid change (arginine 794 retained).
Molecular consequence: synonymous variant.
Genome position (GRCh38, 1-based): chr19:10,149,657, C>T on the plus strand (G>A on the coding strand, the complement: DNMT1 is on the minus strand). VCF-style: chr19-10149657-C-T. GRCh37 (hg19) VCF-style: chr19-10260333-C-T.
Other names: c.2334G>A, p.Arg778= (NM_001318730.2, NM_001379.4); c.2019G>A, p.Arg673= (NM_001318731.2).
Identifiers: ClinVar variation 1481410 (VCV001481410.6), dbSNP rs2038292584, ClinGen allele CA505343271.

ClinVar aggregate classification (germline): Uncertain significance (1 of 4 stars; one submission).

Conditions:
Hereditary sensory neuropathy-deafness-dementia syndrome. Also called: NEUROPATHY, HEREDITARY SENSORY, WITH HEARING LOSS AND DEMENTIA; Hereditary Sensory and Autonomic Neuropathy Type 1E (HSAN1E); Hereditary sensory neuropathy type IE; HSN IE. Identifiers: Orphanet 456318, MedGen C3279885, MONDO:0013584, OMIM 614116.

Submission:

Labcorp Genetics (formerly Invitae), Labcorp
Classification: Uncertain significance for Hereditary sensory neuropathy-deafness-dementia syndrome. Last evaluated: 2021-10-07. Review status: criteria provided, single submitter. Criteria: Invitae Variant Classification Sherloc (09022015). Collection method: clinical testing. Allele origin: germline.
Comment: This variant has not been reported in the literature in individuals affected with DNMT1-related conditions. Algorithms developed to predict the effect of sequence changes on RNA splicing suggest that this variant is not likely to affect RNA splicing. In summary, the available evidence is currently insufficient to determine the role of this variant in disease. Therefore, it has been classified as a Variant of Uncertain Significance. This variant is not present in population databases (ExAC no frequency). This sequence change affects codon 794 of the DNMT1 mRNA. It is a 'silent' change, meaning that it does not change the encoded amino acid sequence of the DNMT1 protein. It affects a nucleotide within the consensus splice site of the intron.